The following is an entry in ClinVar:

ClinVar aggregate classification (germline): Uncertain significance. Review status: criteria provided, multiple submitters, no conflicts (2 of 4 stars). 3 submissions from 3 submitters: Uncertain significance (3). Last evaluated 2024-08-27.

Conditions:
Inborn genetic diseases. Identifiers: MedGen C0950123, MeSH D030342.

Allele frequency attached by ClinVar (database versions not stated): gnomAD exomes 0.00001 and 0.00002; TOPMed 0.00002.

Submissions (3):

Ambry Genetics
Classification: Uncertain significance for Inborn genetic diseases. Last evaluated: 2024-08-27. Review status: criteria provided, single submitter. Criteria: Ambry Variant Classification Scheme 2023. Collection method: clinical testing. Allele origin: germline.

Labcorp Genetics (formerly Invitae), Labcorp
Classification: Uncertain significance. Last evaluated: 2024-04-25. Review status: criteria provided, single submitter. Criteria: Invitae Variant Classification Sherloc (09022015). Collection method: clinical testing. Allele origin: germline.
Comment: This sequence change replaces lysine, which is basic and polar, with threonine, which is neutral and polar, at codon 295 of the PDHX protein (p.Lys295Thr). This variant is present in population databases (no rsID available, gnomAD 0.02%). This variant has not been reported in the literature in individuals affected with PDHX-related conditions. ClinVar contains an entry for this variant (Variation ID: 854325). Advanced modeling of protein sequence and biophysical properties (such as structural, functional, and spatial information, amino acid conservation, physicochemical variation, residue mobility, and thermodynamic stability) performed at Invitae indicates that this missense variant is not expected to disrupt PDHX protein function with a negative predictive value of 80%. In summary, the available evidence is currently insufficient to determine the role of this variant in disease. Therefore, it has been classified as a Variant of Uncertain Significance.

GeneDx
Classification: Uncertain significance. Last evaluated: 2023-11-21. Review status: criteria provided, single submitter. Criteria: GeneDx Variant Classification Process June 2021. Collection method: clinical testing. Allele origin: germline. Affected: yes.
Comment: Not observed at significant frequency in large population cohorts (gnomAD); In silico analysis supports that this missense variant has a deleterious effect on protein structure/function; Has not been previously published as pathogenic or benign to our knowledge

NM_003477.3(PDHX):c.884A>C (p.Lys295Thr)

Gene: PDHX (pyruvate dehydrogenase complex component X; plus strand). Cytogenetic location: 11p13.
Variant type: single nucleotide variant.
Coding change: c.884A>C on transcript NM_003477.3 (MANE Select); coding-DNA position 884, A replaced by C.
Protein change: p.Lys295Thr; replaces lysine 295 with threonine.
Molecular consequence: missense variant. On other transcripts: intron variant (1).
Genome position (GRCh38, 1-based): chr11:34,970,206, A>C. VCF-style: chr11-34970206-A-C. GRCh37 (hg19) VCF-style: chr11-34991753-A-C.
Other names: c.704A>C, p.Lys235Thr (NM_001135024.2); c.343-14364A>C (NM_001166158.2); short protein forms K295T, K235T.
Identifiers: ClinVar variation 854325 (VCV000854325.10), dbSNP rs1030620439, ClinGen allele CA220467571.